The following is an entry in ClinVar:

ClinVar aggregate classification (germline): Conflicting classifications of pathogenicity. Review status: criteria provided, conflicting classifications (1 of 4 stars). 2 submissions from 2 submitters: Likely pathogenic (1); Uncertain significance (1). Last evaluated 2024-07-17.

Conditions:
Inborn genetic diseases. Identifiers: MedGen C0950123, MeSH D030342.

Allele frequency attached by ClinVar (database versions not stated): TOPMed below 0.00001; gnomAD 0.00001; gnomAD exomes 0.00001; ExAC 0.00002.

Submissions (2):

Labcorp Genetics (formerly Invitae), Labcorp
Classification: Likely pathogenic. Last evaluated: 2024-07-17. Review status: criteria provided, single submitter. Criteria: Invitae Variant Classification Sherloc (09022015). Collection method: clinical testing. Allele origin: germline.
Comment: This sequence change affects a donor splice site in intron 16 of the FLNB gene. It is expected to disrupt RNA splicing. Variants that disrupt the donor or acceptor splice site typically lead to a loss of protein function (PMID: 16199547), and loss-of-function variants in FLNB are known to be pathogenic (PMID: 14991055). This variant is present in population databases (rs771755672, gnomAD 0.007%). This variant has not been reported in the literature in individuals affected with FLNB-related conditions. ClinVar contains an entry for this variant (Variation ID: 2228092). In summary, the currently available evidence indicates that the variant is pathogenic, but additional data are needed to prove that conclusively. Therefore, this variant has been classified as Likely Pathogenic.

Ambry Genetics
Classification: Uncertain significance for Inborn genetic diseases. Last evaluated: 2020-11-23. Review status: criteria provided, single submitter. Criteria: Ambry Variant Classification Scheme 2023. Collection method: clinical testing. Allele origin: germline.
Comment: The c.2484+2T>C intronic alteration consists of a T to C substitution nucleotides after coding exon 16 in the FLNB gene. Based on insufficient or conflicting evidence, the clinical significance of this alteration remains unclear.

Literature cited by the submitters: PubMed 16199547 (cited by Labcorp Genetics (formerly Invitae), Labcorp); PubMed 14991055 (cited by Labcorp Genetics (formerly Invitae), Labcorp).

NM_001457.4(FLNB):c.2484+2T>C

Gene: FLNB (filamin B; plus strand). Cytogenetic location: 3p14.3.
Variant type: single nucleotide variant.
Coding change: c.2484+2T>C on transcript NM_001457.4 (MANE Select); the canonical splice donor site of the intron after coding-DNA position 2484, T replaced by C.
Molecular consequence: splice donor variant.
Genome position (GRCh38, 1-based): chr3:58,110,172, T>C. VCF-style: chr3-58110172-T-C. GRCh37 (hg19) VCF-style: chr3-58095899-T-C.
Other names: c.2484+2T>C (NM_001164317.2, NM_001164318.2, NM_001164319.2).
Identifiers: ClinVar variation 2228092 (VCV002228092.5), dbSNP rs771755672, ClinGen allele CA2468127.